The following is an entry in ClinVar:

NM_004082.5(DCTN1):c.844-2A>G

Gene: DCTN1 (dynactin subunit 1; minus strand). Cytogenetic location: 2p13.1.
Variant type: single nucleotide variant.
Coding change: c.844-2A>G on transcript NM_004082.5 (MANE Select); the canonical splice acceptor site of the intron before coding-DNA position 844, A replaced by G.
Molecular consequence: splice acceptor variant.
Genome position (GRCh38, 1-based): chr2:74,370,827, T>C on the plus strand (A>G on the coding strand, the complement: DCTN1 is on the minus strand). VCF-style: chr2-74370827-T-C. GRCh37 (hg19) VCF-style: chr2-74597954-T-C.
Other names: c.733-2A>G (NM_001190836.2); c.775-2A>G (NM_001378992.1); c.793-2A>G (NM_001378991.1); c.784-2A>G (NM_001135040.3); c.823-2A>G (NM_001190837.2); c.442-2A>G (NM_001135041.3, NM_023019.4).
Identifiers: ClinVar variation 1404699 (VCV001404699.8), dbSNP rs2103661242, ClinGen allele CA347365589.
Genomic context (GRCh38, chr2:74,370,827, plus strand): 5'-GCAGTATCAGCCATCTCCTCCATATAGCGTTCCTTTGCCTCCAGCGCCTCCTTGGCTTCC[T>C]GAGGAAGAAGTGGAGGTGGGAGGGGGTACCAGCACAGAGATGCCCCAGGCCTTTCTCACA-3'

ClinVar aggregate classification (germline): Uncertain significance (1 of 4 stars; one submission).

Conditions:
Amyotrophic lateral sclerosis type 1 (ALS1). Also called: AMYOTROPHIC LATERAL SCLEROSIS 1, FAMILIAL. Identifiers: Orphanet 803, MedGen C1862939, MONDO:0007103, OMIM 105400.
Perry syndrome. Also called: PARKINSONISM WITH ALVEOLAR HYPOVENTILATION AND MENTAL DEPRESSION. Identifiers: Orphanet 178509, MedGen C1868594, MONDO:0008201, OMIM 168605.
Neuronopathy, distal hereditary motor, type 7B. Also called: NEURONOPATHY, DISTAL HEREDITARY MOTOR, AUTOSOMAL DOMINANT 14; NEURONOPATHY, DISTAL HEREDITARY MOTOR, HARDING TYPE VIIB; NEUROPATHY, DISTAL HEREDITARY MOTOR, HARDING TYPE VIIB; NEUROPATHY, DISTAL HEREDITARY MOTOR, WITH VOCAL CORD PARALYSIS, HARDING TYPE VIIB; Distal Hereditary Motor Neuronopathy Type 7B (dHMN7B); HMN VIIB. Identifiers: Orphanet 139589, MedGen C1843315, MONDO:0011879, OMIM 607641.

Submission:

Labcorp Genetics (formerly Invitae), Labcorp
Classification: Uncertain significance for Amyotrophic lateral sclerosis type 1; Neuronopathy, distal hereditary motor, type 7B; Perry syndrome. Last evaluated: 2021-05-31. Review status: criteria provided, single submitter. Criteria: Invitae Variant Classification Sherloc (09022015). Collection method: clinical testing. Allele origin: germline.
Comment: In summary, the available evidence is currently insufficient to determine the role of this variant in disease. Therefore, it has been classified as a Variant of Uncertain Significance. Algorithms developed to predict the effect of sequence changes on RNA splicing suggest that this variant may disrupt the consensus splice site, but this prediction has not been confirmed by published transcriptional studies. This variant has not been reported in the literature in individuals with DCTN1-related conditions. This variant is not present in population databases (ExAC no frequency). This sequence change affects an acceptor splice site in intron 9 of the DCTN1 gene. It is expected to disrupt RNA splicing. Variants that disrupt the donor or acceptor splice site typically lead to a loss of protein function (PMID: 16199547), however the current clinical and genetic evidence is not sufficient to establish whether loss-of-function variants in DCTN1 cause disease.

Literature cited by the submitters: PubMed 16199547.